The following is an entry in ClinVar:

ClinVar aggregate classification (germline): Uncertain significance (1 of 4 stars; one submission).

Conditions:
PLXNA4-related disorder. Also called: PLXNA4-related condition.

gnomAD v4.1: 4 of 1,613,928 alleles (0.00025%); highest among the groups gnomAD compares: South Asian, 0.0011%; no homozygotes.

Submission:

PreventionGenetics, part of Exact Sciences
Classification: Uncertain significance for PLXNA4-related condition. Last evaluated: 2026-08-07. Review status: criteria provided, single submitter. Criteria: ACMG Guidelines, 2015. Collection method: clinical testing. Allele origin: germline.
Comment: The PLXNA4 c.1964A>G variant is predicted to result in the amino acid substitution p.Asn655Ser. To our knowledge, this variant has not been reported in the literature. This variant is reported in 0.0046% of alleles in individuals of European (Finnish) descent in gnomAD. At this time, the clinical significance of this variant is uncertain due to the absence of conclusive functional and genetic evidence.

NM_020911.2(PLXNA4):c.1964A>G (p.Asn655Ser)

Gene: PLXNA4 (plexin A4; minus strand). Cytogenetic location: 7q32.3.
Variant type: single nucleotide variant.
Coding change: c.1964A>G on transcript NM_020911.2 (MANE Select); coding-DNA position 1964, A replaced by G.
Protein change: p.Asn655Ser; replaces asparagine 655 with serine.
Molecular consequence: missense variant.
Genome position (GRCh38, 1-based): chr7:132,226,179, T>C on the plus strand (A>G on the coding strand, the complement: PLXNA4 is on the minus strand). VCF-style: chr7-132226179-T-C. GRCh37 (hg19) VCF-style: chr7-131910938-T-C.
Other names: c.1964A>G, p.Asn655Ser (NM_001393897.1); short protein forms N655S.
Identifiers: ClinVar variation 5001148 (VCV005001148.1).